The following is an entry in ClinVar:

ClinVar aggregate classification (germline): Uncertain significance (1 of 4 stars; one submission).

Conditions:
Catecholaminergic polymorphic ventricular tachycardia 1. Also called: RYR2-Related Catecholaminergic Polymorphic Ventricular Tachycardia; VENTRICULAR TACHYCARDIA, CATECHOLAMINERGIC POLYMORPHIC, 1, WITH OR WITHOUT ATRIAL DYSFUNCTION AND/OR DILATED CARDIOMYOPATHY; VENTRICULAR TACHYCARDIA, STRESS-INDUCED POLYMORPHIC 1. Identifiers: Orphanet 3286, MedGen C1631597, MONDO:0011484, OMIM 604772.

gnomAD v4.1: 2 of 1,612,904 alleles (0.00012%); highest among the groups gnomAD compares: African/African-American, 0.0013%; no homozygotes.

Submission:

Labcorp Genetics (formerly Invitae), Labcorp
Classification: Uncertain significance for Catecholaminergic polymorphic ventricular tachycardia 1. Last evaluated: 2021-07-09. Review status: criteria provided, single submitter. Criteria: Invitae Variant Classification Sherloc (09022015). Collection method: clinical testing. Allele origin: germline.
Comment: This sequence change replaces methionine with valine at codon 2828 of the RYR2 protein (p.Met2828Val). The methionine residue is highly conserved and there is a small physicochemical difference between methionine and valine. This variant is not present in population databases (ExAC no frequency). This variant has not been reported in the literature in individuals affected with RYR2-related conditions. Advanced modeling of protein sequence and biophysical properties (such as structural, functional, and spatial information, amino acid conservation, physicochemical variation, residue mobility, and thermodynamic stability) performed at Invitae indicates that this missense variant is not expected to disrupt RYR2 protein function. Algorithms developed to predict the effect of sequence changes on RNA splicing suggest that this variant may create or strengthen a splice site. In summary, the available evidence is currently insufficient to determine the role of this variant in disease. Therefore, it has been classified as a Variant of Uncertain Significance.

NM_001035.3(RYR2):c.8482A>G (p.Met2828Val)

Gene: RYR2 (ryanodine receptor 2; plus strand). Cytogenetic location: 1q43.
Variant type: single nucleotide variant.
Coding change: c.8482A>G on transcript NM_001035.3 (MANE Select); coding-DNA position 8482, A replaced by G.
Protein change: p.Met2828Val; replaces methionine 2828 with valine.
Molecular consequence: missense variant.
Genome position (GRCh38, 1-based): chr1:237,666,557, A>G. VCF-style: chr1-237666557-A-G. GRCh37 (hg19) VCF-style: chr1-237829857-A-G.
Other names: short protein forms M2828V.
Identifiers: ClinVar variation 1352456 (VCV001352456.9), dbSNP rs948094250, ClinGen allele CA345402130.
Genomic context (GRCh38, chr1:237,666,557, plus strand): 5'-ACACAAATGATCTAGGTTTCTGTGGACGCTGCCCATGGTTACAGTCCCCGGGCCATTGAC[A>G]TGAGCAATGTTACACTATCTAGAGACCTGCATGTAAGTACTATTAACTTTTAAAAATAGT-3'
Protein context (NP_001026.2, residues 2818-2838): AHGYSPRAID[Met2828Val]SNVTLSRDLH